The following is an entry in ClinVar:

NM_000565.4(IL6R):c.807+81T>C

Gene: IL6R (interleukin 6 receptor; plus strand). Cytogenetic location: 1q21.3.
Variant type: single nucleotide variant.
Coding change: c.807+81T>C on transcript NM_000565.4 (MANE Select); 81 bases into the intron after coding-DNA position 807, T replaced by C.
Molecular consequence: intron variant.
Genome position (GRCh38, 1-based): chr1:154,435,237, T>C. VCF-style: chr1-154435237-T-C. GRCh37 (hg19) VCF-style: chr1-154407713-T-C.
Other names: c.807+81T>C (NM_001382771.1, NM_001382773.1, NM_001382770.1 and 4 more transcripts); c.447+81T>C (NM_001382774.1).
Identifiers: ClinVar variation 2688005 (VCV002688005.2), dbSNP rs7521458, ClinGen allele CA10908038.
Genomic context (GRCh38, chr1:154,435,237, plus strand): 5'-TGGTCAGAGAGGCGCCCCTAGATGCTTAGGCGTAGTAGAAAGGGTACTAGAGGCCAGGCA[T>C]GGTGGCTCACGCCTGTAATCCCGGCCCTTTGGGAGGCCAAGGTGGGCGAATCACTTGAGG-3'

ClinVar aggregate classification (germline): Benign (1 of 4 stars; one submission).

Allele frequency attached by ClinVar (database versions not stated): 1000 Genomes Project 30x 0.29731; 1000 Genomes Project 0.30012; gnomAD 0.32496; TOPMed 0.34110.
gnomAD v4.1: 538,786 of 1,375,794 alleles (39%); highest among the groups gnomAD compares: Admixed American, 53%; 109,973 homozygotes.

Submission:

Unidad de Genómica Garrahan, Hospital de Pediatría Garrahan
Classification: Benign. Last evaluated: 2024-01-24. Review status: criteria provided, single submitter. Criteria: ACMG Guidelines, 2015. Collection method: clinical testing. Allele origin: germline. Affected: no. Observed: 69 variant alleles.
Comment: This variant is classified as Benign based on local population frequency. This variant was detected in 73% of patients studied by a panel of primary immunodeficiencies. Number of patients: 69. Only high quality variants are reported.